The following is an entry in ClinVar:

ClinVar aggregate classification (germline): Pathogenic (1 of 4 stars; one submission).

Conditions:
Telangiectasia, hereditary hemorrhagic, type 2 (HHT2). Also called: Telangiectasia, hereditary hemorrhagic, type II; ACVRL1-Related Hereditary Hemorrhagic Telangiectasia. Identifiers: Orphanet 774, MedGen C1838163, MONDO:0010880, OMIM 600376. Disease mechanism: loss of function.

Submission:

Labcorp Genetics (formerly Invitae), Labcorp
Classification: Pathogenic for Telangiectasia, hereditary hemorrhagic, type 2. Last evaluated: 2026-01-19. Review status: criteria provided, single submitter. Criteria: Invitae Variant Classification Sherloc (09022015). Collection method: clinical testing. Allele origin: germline.
Comment: This sequence change replaces lysine, which is basic and polar, with methionine, which is neutral and non-polar, at codon 229 of the ACVRL1 protein (p.Lys229Met). This variant is not present in population databases (gnomAD no frequency). This missense change has been observed in individuals with hereditary hemorrhagic telangiectasia (PMID: 16429404; internal data). ClinVar contains an entry for this variant (Variation ID: 839186). Invitae Evidence Modeling of protein sequence and biophysical properties (such as structural, functional, and spatial information, amino acid conservation, physicochemical variation, residue mobility, and thermodynamic stability) indicates that this missense variant is expected to disrupt ACVRL1 protein function with a positive predictive value of 95%. This variant disrupts the p.Lys229 amino acid residue in ACVRL1. Other variant(s) that disrupt this residue have been observed in individuals with ACVRL1-related conditions (PMID: 15024723; internal data), which suggests that this may be a clinically significant amino acid residue. For these reasons, this variant has been classified as Pathogenic.

Literature cited by the submitters: PubMed 16429404; PubMed 15024723.

NM_000020.3(ACVRL1):c.686A>T (p.Lys229Met)

Gene: ACVRL1 (activin A receptor like type 1; plus strand). Cytogenetic location: 12q13.13.
Variant type: single nucleotide variant.
Coding change: c.686A>T on transcript NM_000020.3 (MANE Select); coding-DNA position 686, A replaced by T.
Protein change: p.Lys229Met; replaces lysine 229 with methionine.
Molecular consequence: missense variant.
Genome position (GRCh38, 1-based): chr12:51,914,499, A>T. VCF-style: chr12-51914499-A-T. GRCh37 (hg19) VCF-style: chr12-52308283-A-T.
Other names: c.686A>T, p.Lys229Met (NM_001077401.2); short protein forms K229M.
Identifiers: ClinVar variation 839186 (VCV000839186.9), dbSNP rs1940782891, ClinGen allele CA384900073.
Genomic context (GRCh38, chr12:51,914,499, plus strand): 5'-GAAAAGGCCGCTATGGCGAAGTGTGGCGGGGCTTGTGGCACGGTGAGAGTGTGGCCGTCA[A>T]GATCTTCTCCTCGAGGGATGAACAGTCCTGGTTCCGGGAGACTGAGATCTATAACACAGT-3'
Protein context (NP_000011.2, residues 219-239): GLWHGESVAV[Lys229Met]IFSSRDEQSW